The following is an entry in ClinVar:

ClinVar aggregate classification (germline): Benign (1 of 4 stars; one submission).

Allele frequency attached by ClinVar (database versions not stated): gnomAD 0.19838 and 0.20925; TOPMed 0.21657; 1000 Genomes Project 0.31070.
gnomAD v4.1: 31,844 of 151,916 alleles (21%); highest among the groups gnomAD compares: East Asian, 69%; 4,415 homozygotes.

Submission:

GeneDx
Classification: Benign. Last evaluated: 2018-06-19. Review status: criteria provided, single submitter. Criteria: GeneDx Variant Classification (06012015). Collection method: clinical testing. Allele origin: germline. Affected: yes.
Comment: This variant is considered likely benign or benign based on one or more of the following criteria: it is a conservative change, it occurs at a poorly conserved position in the protein, it is predicted to be benign by multiple in silico algorithms, and/or has population frequency not consistent with disease.

NM_001080477.4(TENM3):c.2586-290G>C

Gene: TENM3 (teneurin transmembrane protein 3; plus strand). Cytogenetic location: 4q35.1.
Variant type: single nucleotide variant.
Coding change: c.2586-290G>C on transcript NM_001080477.4 (MANE Select); 290 bases into the intron before coding-DNA position 2586, G replaced by C.
Molecular consequence: intron variant.
Genome position (GRCh38, 1-based): chr4:182,729,910, G>C. VCF-style: chr4-182729910-G-C. GRCh37 (hg19) VCF-style: chr4-183651063-G-C.
Identifiers: ClinVar variation 674012 (VCV000674012.1), dbSNP rs6823594, ClinGen allele CA11670973.